The following is an entry in ClinVar:

NM_001963.6(EGF):c.2759A>T (p.Glu920Val)

Gene: EGF (epidermal growth factor; plus strand). Cytogenetic location: 4q25.
Variant type: single nucleotide variant.
Coding change: c.2759A>T on transcript NM_001963.6 (MANE Select); coding-DNA position 2759, A replaced by T.
Protein change: p.Glu920Val; replaces glutamic acid 920 with valine.
Molecular consequence: missense variant. On other transcripts: intron variant (1).
Genome position (GRCh38, 1-based): chr4:109,993,271, A>T. VCF-style: chr4-109993271-A-T. GRCh37 (hg19) VCF-style: chr4-110914427-A-T.
Other names: c.2633A>T, p.Glu878Val (NM_001178131.3); c.2390A>T, p.Glu797Val (NM_001357021.2); c.2735-1462A>T (NM_001178130.3); short protein forms E920V, E797V, E878V.
Identifiers: ClinVar variation 347252 (VCV000347252.18), dbSNP rs4698803, ClinGen allele CA3044086.

ClinVar aggregate classification (germline): Benign. Review status: criteria provided, multiple submitters, no conflicts (2 of 4 stars). 6 submissions from 6 submitters: Benign (6). Last evaluated 2026-02-04.

Conditions:
Renal hypomagnesemia 4. Also called: HYPOMAGNESEMIA, RENAL, NORMOCALCIURIC. Identifiers: Orphanet 34527, MedGen C2673648, MONDO:0012717, OMIM 611718.

Allele frequency attached by ClinVar (database versions not stated): gnomAD exomes 0.80829 and 0.84635; ExAC 0.84067; ESP Exome Variant Server 0.84892; gnomAD 0.86043 and 0.86185; TOPMed 0.87425; 1000 Genomes Project 30x 0.91833; 1000 Genomes Project 0.92053.
gnomAD v4.1: 1,313,822 of 1,613,468 alleles (81%); highest among the groups gnomAD compares: East Asian, 100%; 537,711 homozygotes.

Submissions (6):

Labcorp Genetics (formerly Invitae), Labcorp
Classification: Benign. Last evaluated: 2026-02-04. Review status: criteria provided, single submitter. Criteria: Invitae Variant Classification Sherloc (09022015). Collection method: clinical testing. Allele origin: germline.

Blueprint Genetics
Classification: Benign. Last evaluated: 2024-11-26. Review status: criteria provided, single submitter. Criteria: ACMG Guidelines, 2015. Collection method: clinical testing. Allele origin: germline.

Mayo Clinic Laboratories, Mayo Clinic
Classification: Benign. Last evaluated: 2023-02-14. Review status: criteria provided, single submitter. Criteria: ACMG Guidelines, 2015. Collection method: clinical testing. Allele origin: germline. Observed: 175 variant alleles.
Comment: BA1

GeneDx
Classification: Benign. Last evaluated: 2018-11-10. Review status: criteria provided, single submitter. Criteria: GeneDx Variant Classification Process June 2021. Collection method: clinical testing. Allele origin: germline. Affected: yes.

Illumina Laboratory Services, Illumina
Classification: Benign for Renal hypomagnesemia 4. Last evaluated: 2018-01-13. Review status: criteria provided, single submitter. Criteria: ICSL Variant Classification Criteria 13 December 2019. Collection method: clinical testing. Allele origin: germline.
Comment: This variant was observed in the ICSL laboratory as part of a predisposition screen in an ostensibly healthy population. It had not been previously curated by ICSL or reported in the Human Gene Mutation Database (HGMD: prior to June 1st, 2018), and was therefore a candidate for classification through an automated scoring system. Utilizing variant allele frequency, disease prevalence and penetrance estimates, and inheritance mode, an automated score was calculated to assess if this variant is too frequent to cause the disease. Based on the score and internal cut-off values, a variant classified as benign is not then subjected to further curation. The score for this variant resulted in a classification of benign for this disease.

Breakthrough Genomics
Classification: Benign. Review status: criteria provided, single submitter. Criteria: ACMG Guidelines, 2015. Collection method: not provided. Allele origin: germline. Inheritance: Autosomal recessive inheritance. Affected: yes.